The following is an entry in ClinVar:

ClinVar aggregate classification (germline): Benign/Likely benign. Review status: criteria provided, multiple submitters, no conflicts (2 of 4 stars). 5 submissions from 5 submitters: Benign (3); Likely benign (1). 1 of the submissions does not count toward it. Last evaluated 2026-01-28.

Conditions:
Fetal akinesia deformation sequence 1 (FADS1). Also called: Fetal akinesia sequence; Pena-Shokeir syndrome type I. Identifiers: Orphanet 994, MedGen C1276035, MONDO:0100101, OMIM 208150, HP:0001989.
Congenital myasthenic syndrome 10. Also called: Myasthenia, limb-girdle, familial. Identifiers: Orphanet 590, MedGen C1850792, MONDO:0009690, OMIM 254300.

Allele frequency attached by ClinVar (database versions not stated): gnomAD 0.00790 and 0.00743; TOPMed 0.00835; ESP Exome Variant Server 0.00986; gnomAD exomes 0.00076 and 0.00201; ExAC 0.00221; 1000 Genomes Project 0.00599; 1000 Genomes Project 30x 0.00656.
gnomAD v4.1: 1,968 of 1,384,606 alleles (0.14%); highest among the groups gnomAD compares: African/African-American, 2.8%; 67 homozygotes.

Submissions (5):

Labcorp Genetics (formerly Invitae), Labcorp
Classification: Benign for Congenital myasthenic syndrome 10; Fetal akinesia deformation sequence 1. Last evaluated: 2026-01-28. Review status: criteria provided, single submitter. Criteria: Invitae Variant Classification Sherloc (09022015). Collection method: clinical testing. Allele origin: germline.

Mayo Clinic Laboratories, Mayo Clinic
Classification: Benign. Last evaluated: 2025-03-28. Review status: criteria provided, single submitter. Criteria: ACMG Guidelines, 2015. Collection method: clinical testing. Allele origin: germline. Observed: 1 variant allele.
Comment: BA1, BP4, BP7

GeneDx
Classification: Likely benign. Last evaluated: 2021-07-26. Review status: criteria provided, single submitter. Criteria: GeneDx Variant Classification Process June 2021. Collection method: clinical testing. Allele origin: germline. Affected: yes.

PreventionGenetics, part of Exact Sciences
Classification: Benign. Review status: criteria provided, single submitter. Criteria: ACMG Guidelines, 2015. Collection method: clinical testing. Allele origin: germline.

Genetic Services Laboratory, University of Chicago
Classification: Likely benign for AllHighlyPenetrant. Review status: no assertion criteria provided. Collection method: clinical testing. Allele origin: germline. Inheritance: Autosomal recessive inheritance. Not counted in ClinVar's aggregate classification.
Comment: Likely benign based on allele frequency in 1000 Genomes Project or ESP global frequency and its presence in a patient with a rare or unrelated disease phenotype. NOT Sanger confirmed.

NM_173660.5(DOK7):c.332-4G>A

Gene: DOK7 (docking protein 7; plus strand). Cytogenetic location: 4p16.3.
Variant type: single nucleotide variant.
Coding change: c.332-4G>A on transcript NM_173660.5 (MANE Select); 4 bases into the intron before coding-DNA position 332, G replaced by A.
Molecular consequence: intron variant.
Genome position (GRCh38, 1-based): chr4:3,476,338, G>A. VCF-style: chr4-3476338-G-A. GRCh37 (hg19) VCF-style: chr4-3478065-G-A.
Other names: p.?; c.332-4G>A (NM_001301071.2, NM_001164673.2); c.101-9201G>A (NM_001363811.2).
Identifiers: ClinVar variation 128912 (VCV000128912.20), dbSNP rs199578351, ClinGen allele CA152603.
Genomic context (GRCh38, chr4:3,476,338, plus strand): 5'-ACCCGCCCGTGATGTCCTCTCACCCTGCCCGCCCGTGATGCCCTCTTGCCCCGCCTGCCC[G>A]CAGTGCATAGGTTCCATGTGACAGTGGCTCCAGGCACCAAGTTGGAGAGCGGCCCGGCTA-3'